The following is an entry in ClinVar:

NM_002661.5(PLCG2):c.3075C>G (p.His1025Gln)

Gene: PLCG2 (phospholipase C gamma 2; plus strand). Cytogenetic location: 16q23.3.
Variant type: single nucleotide variant.
Coding change: c.3075C>G on transcript NM_002661.5 (MANE Select); coding-DNA position 3075, C replaced by G.
Protein change: p.His1025Gln; replaces histidine 1025 with glutamine.
Molecular consequence: missense variant.
Genome position (GRCh38, 1-based): chr16:81,937,780, C>G. VCF-style: chr16-81937780-C-G. GRCh37 (hg19) VCF-style: chr16-81971385-C-G.
Other names: short protein forms H1025Q.
Identifiers: ClinVar variation 954110 (VCV000954110.12), dbSNP rs368241065, ClinGen allele CA8194556.
Genomic context (GRCh38, chr16:81,937,780, plus strand): 5'-ATGCCTGACTTACAGCAGGCGTTCACTTTCCTTCCCAGATAAGTACATGCAGATGAATCA[C>G]GCATTGTTTTCTCTCAATGGGCGCACGGGCTACGTTCTGCAGCCTGAGAGCATGAGGACA-3'
Protein context (NP_002652.2, residues 1015-1035): QTADKYMQMN[His1025Gln]ALFSLNGRTG

ClinVar aggregate classification (germline): Uncertain significance. Review status: criteria provided, multiple submitters, no conflicts (2 of 4 stars). 3 submissions from 3 submitters: Uncertain significance (3). Last evaluated 2025-04-08.

Conditions:
Familial cold autoinflammatory syndrome 3 (FCAS3). Also called: ANTIBODY DEFICIENCY AND IMMUNE DYSREGULATION, PLCG2-ASSOCIATED; FAMILIAL ATYPICAL COLD URTICARIA. Identifiers: Orphanet 300359, MedGen C3280914, MONDO:0013766, OMIM 614468.
Autoinflammation-PLCG2-associated antibody deficiency-immune dysregulation. Also called: Autoinflammation, antibody deficiency, and immune dysregulation syndrome; Autoinflammation, antibody deficiency, and immune dysregulation, plcg2-associated; AUTOINFLAMMATION, ANTIBODY DEFICIENCY, AND IMMUNE DYSREGULATION. Identifiers: Orphanet 324530, MedGen C3553961, MONDO:0013944, OMIM 614878.

gnomAD v4.1: 10 of 1,613,932 alleles (0.00062%); highest among the groups gnomAD compares: Middle Eastern, 0.033%; no homozygotes.

Submissions (3):

Labcorp Genetics (formerly Invitae), Labcorp
Classification: Uncertain significance for Familial cold autoinflammatory syndrome 3. Last evaluated: 2025-04-08. Review status: criteria provided, single submitter. Criteria: Invitae Variant Classification Sherloc (09022015). Collection method: clinical testing. Allele origin: germline.
Comment: This sequence change replaces histidine, which is basic and polar, with glutamine, which is neutral and polar, at codon 1025 of the PLCG2 protein (p.His1025Gln). This variant is present in population databases (rs368241065, gnomAD 0.002%). This missense change has been observed in individual(s) with common variable immunodeficiency (PMID: 29921932). ClinVar contains an entry for this variant (Variation ID: 954110). An algorithm developed to predict the effect of missense changes on protein structure and function outputs the following: PolyPhen-2: "Benign". The glutamine amino acid residue is found in multiple mammalian species, which suggests that this missense change does not adversely affect protein function. In summary, the available evidence is currently insufficient to determine the role of this variant in disease. Therefore, it has been classified as a Variant of Uncertain Significance.

Fulgent Genetics
Classification: Uncertain significance for Familial cold autoinflammatory syndrome 3; Autoinflammation-PLCG2-associated antibody deficiency-immune dysregulation. Last evaluated: 2022-02-02. Review status: criteria provided, single submitter. Criteria: ACMG Guidelines, 2015. Collection method: clinical testing. Allele origin: unknown.

Blueprint Genetics
Classification: Uncertain significance. Last evaluated: 2021-12-23. Review status: criteria provided, single submitter. Criteria: ACMG Guidelines, 2015. Collection method: clinical testing. Allele origin: germline.

Literature cited by the submitters: PubMed 29921932 (cited by Labcorp Genetics (formerly Invitae), Labcorp).